The following is an entry in ClinVar:

ClinVar aggregate classification (germline): Likely benign. Review status: criteria provided, multiple submitters, no conflicts (2 of 4 stars). 3 submissions from 3 submitters: Likely benign (3). Last evaluated 2025-06-15.

Conditions:
Familial sleep-related hypermotor epilepsy. Also called: Autosomal Dominant Sleep-Related Hypermotor (Hyperkinetic) Epilepsy. Identifiers: Orphanet 98784, MedGen C3696898, MONDO:0000030.
Inborn genetic diseases. Identifiers: MedGen C0950123, MeSH D030342.

Allele frequency attached by ClinVar (database versions not stated): ESP Exome Variant Server 0.00008; ExAC 0.00006; gnomAD 0.00003; gnomAD exomes 0.00004 and 0.00009; TOPMed 0.00005.
gnomAD v4.1: 27 of 1,613,672 alleles (0.0017%); highest among the groups gnomAD compares: Admixed American, 0.043%; no homozygotes.

Submissions (3):

Labcorp Genetics (formerly Invitae), Labcorp
Classification: Likely benign. Last evaluated: 2025-06-15. Review status: criteria provided, single submitter. Criteria: Invitae Variant Classification Sherloc (09022015). Collection method: clinical testing. Allele origin: germline.

Ambry Genetics
Classification: Likely benign for Inborn genetic diseases. Last evaluated: 2021-10-12. Review status: criteria provided, single submitter. Criteria: Ambry Variant Classification Scheme 2023. Collection method: clinical testing. Allele origin: germline.

GeneDx
Classification: Likely benign. Last evaluated: 2021-05-07. Review status: criteria provided, single submitter. Criteria: GeneDx Variant Classification Process June 2021. Collection method: clinical testing. Allele origin: germline. Affected: yes.
Comment: This variant is associated with the following publications: (PMID: 21703448)

Literature cited by the submitters: PubMed 21703448 (cited by Ambry Genetics); PubMed 28488083 (cited by Ambry Genetics).

NM_000748.3(CHRNB2):c.105T>A (p.His35Gln)

Gene: CHRNB2 (cholinergic receptor nicotinic beta 2 subunit; plus strand). Cytogenetic location: 1q21.3.
Variant type: single nucleotide variant.
Coding change: c.105T>A on transcript NM_000748.3 (MANE Select); coding-DNA position 105, T replaced by A.
Protein change: p.His35Gln; replaces histidine 35 with glutamine.
Molecular consequence: missense variant.
Genome position (GRCh38, 1-based): chr1:154,569,502, T>A. VCF-style: chr1-154569502-T-A. GRCh37 (hg19) VCF-style: chr1-154541978-T-A.
Other names: short protein forms H35Q.
Identifiers: ClinVar variation 429855 (VCV000429855.15), dbSNP rs141689121, ClinGen allele CA1130628.